The following is an entry in ClinVar:

NM_006231.4(POLE):c.717C>T (p.His239=)

Gene: POLE (DNA polymerase epsilon, catalytic subunit; minus strand). Cytogenetic location: 12q24.33.
Variant type: single nucleotide variant.
Coding change: c.717C>T on transcript NM_006231.4 (MANE Select); coding-DNA position 717, C replaced by T.
Protein change: p.His239=; no amino-acid change (histidine 239 retained).
Molecular consequence: synonymous variant.
Genome position (GRCh38, 1-based): chr12:132,677,581, G>A on the plus strand (C>T on the coding strand, the complement: POLE is on the minus strand). VCF-style: chr12-132677581-G-A. GRCh37 (hg19) VCF-style: chr12-133254167-G-A.
Identifiers: ClinVar variation 514163 (VCV000514163.12), dbSNP rs567612169, ClinGen allele CA6894230.

ClinVar aggregate classification (germline): Likely benign. Review status: criteria provided, multiple submitters, no conflicts (2 of 4 stars). 3 submissions from 3 submitters: Likely benign (3). Last evaluated 2024-11-19.

Conditions:
Hereditary cancer-predisposing syndrome. Also called: Hereditary Cancer Syndrome; Neoplastic Syndromes, Hereditary; Tumor predisposition; Hereditary neoplastic syndrome. Identifiers: Orphanet 140162, MedGen C0027672, MeSH D009386, MONDO:0015356.

Allele frequency attached by ClinVar (database versions not stated): gnomAD exomes below 0.00001 and 0.00001; TOPMed below 0.00001; gnomAD 0.00001; ExAC 0.00002; 1000 Genomes Project 0.00020; 1000 Genomes Project 30x 0.00031.
gnomAD v4.1: 10 of 1,614,184 alleles (0.00062%); highest among the groups gnomAD compares: African/African-American, 0.0013%; no homozygotes.

Submissions (3):

Labcorp Genetics (formerly Invitae), Labcorp
Classification: Likely benign. Last evaluated: 2024-11-19. Review status: criteria provided, single submitter. Criteria: Invitae Variant Classification Sherloc (09022015). Collection method: clinical testing. Allele origin: germline.

GeneDx
Classification: Likely benign. Last evaluated: 2017-12-12. Review status: criteria provided, single submitter. Criteria: GeneDx Variant Classification (06012015). Collection method: clinical testing. Allele origin: germline. Affected: yes.
Comment: This variant is considered likely benign or benign based on one or more of the following criteria: it is a conservative change, it occurs at a poorly conserved position in the protein, it is predicted to be benign by multiple in silico algorithms, and/or has population frequency not consistent with disease.

Ambry Genetics
Classification: Likely benign for Hereditary cancer-predisposing syndrome. Last evaluated: 2015-07-22. Review status: criteria provided, single submitter. Criteria: Ambry Variant Classification Scheme 2023. Collection method: clinical testing. Allele origin: germline.